The following is an entry in ClinVar:

NM_013296.5(GPSM2):c.1815+244G>T

Gene: GPSM2 (G protein signaling modulator 2; plus strand). Cytogenetic location: 1p13.3.
Variant type: single nucleotide variant.
Coding change: c.1815+244G>T on transcript NM_013296.5 (MANE Select); 244 bases into the intron after coding-DNA position 1815, G replaced by T.
Molecular consequence: intron variant.
Genome position (GRCh38, 1-based): chr1:108,924,458, G>T. VCF-style: chr1-108924458-G-T. GRCh37 (hg19) VCF-style: chr1-109467080-G-T.
Other names: c.1815+244G>T (NM_001321038.2, NM_001321039.3).
Identifiers: ClinVar variation 681785 (VCV000681785.2), dbSNP rs9661361, ClinGen allele CA10845990.

ClinVar aggregate classification (germline): Benign. Review status: criteria provided, multiple submitters, no conflicts (2 of 4 stars). 2 submissions from 2 submitters: Benign (2). Last evaluated 2018-06-16.

Allele frequency attached by ClinVar (database versions not stated): gnomAD 0.06631 and 0.06647; TOPMed 0.06649; 1000 Genomes Project 0.06929.
gnomAD v4.1: 31,834 of 543,684 alleles (5.9%); highest among the groups gnomAD compares: African/African-American, 10%; 1,116 homozygotes.

Submissions (2):

GeneDx
Classification: Benign. Last evaluated: 2018-06-16. Review status: criteria provided, single submitter. Criteria: GeneDx Variant Classification (06012015). Collection method: clinical testing. Allele origin: germline. Affected: yes.
Comment: This variant is considered likely benign or benign based on one or more of the following criteria: it is a conservative change, it occurs at a poorly conserved position in the protein, it is predicted to be benign by multiple in silico algorithms, and/or has population frequency not consistent with disease.

Breakthrough Genomics
Classification: Benign. Review status: criteria provided, single submitter. Criteria: ACMG Guidelines, 2015. Collection method: not provided. Allele origin: germline. Inheritance: Autosomal recessive inheritance. Affected: yes.